The following is an entry in ClinVar:

NM_004944.4(DNASE1L3):c.260A>G (p.Tyr87Cys)

Gene: DNASE1L3 (deoxyribonuclease 1L3; minus strand). Cytogenetic location: 3p14.3.
Variant type: single nucleotide variant.
Coding change: c.260A>G on transcript NM_004944.4 (MANE Select); coding-DNA position 260, A replaced by G.
Protein change: p.Tyr87Cys; replaces tyrosine 87 with cysteine.
Molecular consequence: missense variant. On other transcripts: intron variant (1).
Genome position (GRCh38, 1-based): chr3:58,205,531, T>C on the plus strand (A>G on the coding strand, the complement: DNASE1L3 is on the minus strand). VCF-style: chr3-58205531-T-C. GRCh37 (hg19) VCF-style: chr3-58191258-T-C.
Other names: c.231-650A>G (NM_001256560.2); short protein forms Y87C.
Identifiers: ClinVar variation 1963898 (VCV001963898.3), dbSNP rs779923120, ClinGen allele CA2470065.

ClinVar aggregate classification (germline): Uncertain significance (1 of 4 stars; one submission).

Allele frequency attached by ClinVar (database versions not stated): gnomAD exomes below 0.00001; TOPMed below 0.00001; gnomAD 0.00001; ExAC 0.00002.
gnomAD v4.1: 7 of 1,613,986 alleles (0.00043%); highest among the groups gnomAD compares: Non-Finnish European, 0.00051%; no homozygotes.

Submission:

Labcorp Genetics (formerly Invitae), Labcorp
Classification: Uncertain significance. Last evaluated: 2022-08-12. Review status: criteria provided, single submitter. Criteria: Invitae Variant Classification Sherloc (09022015). Collection method: clinical testing. Allele origin: germline.
Comment: In summary, the available evidence is currently insufficient to determine the role of this variant in disease. Therefore, it has been classified as a Variant of Uncertain Significance. Algorithms developed to predict the effect of missense changes on protein structure and function output the following: SIFT: "Tolerated"; PolyPhen-2: "Benign"; Align-GVGD: "Class C0". The cysteine amino acid residue is found in multiple mammalian species, which suggests that this missense change does not adversely affect protein function. This variant has not been reported in the literature in individuals affected with DNASE1L3-related conditions. This variant is present in population databases (rs779923120, gnomAD 0.002%). This sequence change replaces tyrosine, which is neutral and polar, with cysteine, which is neutral and slightly polar, at codon 87 of the DNASE1L3 protein (p.Tyr87Cys).